The following is an entry in ClinVar:

NM_001161403.3(LIMS2):c.12-6783G>A

Gene: LIMS2 (LIM zinc finger domain containing 2; minus strand). Cytogenetic location: 2q14.3.
Variant type: single nucleotide variant.
Coding change: c.12-6783G>A on transcript NM_001161403.3 (MANE Select); 6783 bases into the intron before coding-DNA position 12, G replaced by A.
Molecular consequence: intron variant. On other transcripts: missense variant (1).
Genome position (GRCh38, 1-based): chr2:127,664,345, C>T on the plus strand (G>A on the coding strand, the complement: LIMS2 is on the minus strand). VCF-style: chr2-127664345-C-T. GRCh37 (hg19) VCF-style: chr2-128421919-C-T.
Other names: c.44G>A, p.Arg15Gln (NM_017980.5); c.-4-6783G>A (NM_001161404.2); c.78-6783G>A (NM_001136037.4); short protein forms R15Q.
Identifiers: ClinVar variation 652798 (VCV000652798.7), dbSNP rs975497154, ClinGen allele CA55389836.

ClinVar aggregate classification (germline): Uncertain significance (1 of 4 stars; one submission).

Conditions:
Autosomal recessive limb-girdle muscular dystrophy type 2W (MDRCMTT). Also called: Muscular dystrophy, limb-girdle, type 2W; Muscular dystrophy, autosomal recessive, with cardiomyopathy and triangular tongue. Identifiers: MedGen C4225192, MONDO:0014788, OMIM 616827.

Allele frequency attached by ClinVar (database versions not stated): gnomAD exomes below 0.00001; gnomAD 0.00002; TOPMed 0.00006.
gnomAD v4.1: 8 of 1,223,928 alleles (0.00065%); highest among the groups gnomAD compares: African/African-American, 0.0047%; no homozygotes.

Submission:

Labcorp Genetics (formerly Invitae), Labcorp
Classification: Uncertain significance for Autosomal recessive limb-girdle muscular dystrophy type 2W. Last evaluated: 2018-07-30. Review status: criteria provided, single submitter. Criteria: Invitae Variant Classification Sherloc (09022015). Collection method: clinical testing. Allele origin: germline.
Comment: While this variant is not present in population databases, the frequency information is unreliable, as metrics indicate poor data quality at this position in the ExAC database. This sequence change replaces arginine with glutamine at codon 15 of the LIMS2 protein (p.Arg15Gln). The arginine residue is weakly conserved and there is a small physicochemical difference between arginine and glutamine. This variant has not been reported in the literature in individuals with LIMS2-related disease. In summary, the available evidence is currently insufficient to determine the role of this variant in disease. Therefore, it has been classified as a Variant of Uncertain Significance. Algorithms developed to predict the effect of sequence changes on RNA splicing suggest that this variant may create or strengthen a splice site, but this prediction has not been confirmed by published transcriptional studies. Algorithms developed to predict the effect of missense changes on protein structure and function output the following: SIFT: "Tolerated"; PolyPhen-2: "Benign"; Align-GVGD: "Class C0". The glutamine amino acid residue is found in multiple mammalian species, suggesting that this missense change does not adversely affect protein function. These predictions have not been confirmed by published functional studies and their clinical significance is uncertain.